The following is an entry in ClinVar:

NM_002382.5(MAX):c.10A>G (p.Asn4Asp)

Genes: MAX (MYC associated transcriptional regulator X; minus strand), LOC130055850 (ATAC-STARR-seq lymphoblastoid silent region 5847; plus strand). Cytogenetic location: 14q23.3.
Variant type: single nucleotide variant.
Coding change: c.10A>G on transcript NM_002382.5 (MANE Select); coding-DNA position 10, A replaced by G.
Protein change: p.Asn4Asp; replaces asparagine 4 with aspartic acid.
Molecular consequence: missense variant. On other transcripts: 5 prime UTR variant (2), intron variant (2).
Genome position (GRCh38, 1-based): chr14:65,102,330, T>C on the plus strand (A>G on the coding strand, the complement: MAX is on the minus strand). VCF-style: chr14-65102330-T-C. GRCh37 (hg19) VCF-style: chr14-65569048-T-C.
Other names: c.10A>G, p.Asn4Asp (NM_001271068.2, NM_001271069.2, NM_001407094.1 and 18 more transcripts); c.-265A>G (NM_001320415.2); c.-238A>G (NM_001407107.1); c.-305+179A>G (NM_001407112.1); c.-239+179A>G (NM_001407106.1); short protein forms N4D.
Identifiers: ClinVar variation 3870814 (VCV003870814.1).

ClinVar aggregate classification (germline): Uncertain significance (1 of 4 stars; one submission).

Conditions:
Hereditary cancer-predisposing syndrome. Also called: Tumor predisposition; Neoplastic Syndromes, Hereditary; Hereditary Cancer Syndrome; Hereditary neoplastic syndrome. Identifiers: Orphanet 140162, MedGen C0027672, MeSH D009386, MONDO:0015356.

Submission:

Ambry Genetics
Classification: Uncertain significance for Hereditary cancer-predisposing syndrome. Last evaluated: 2025-01-17. Review status: criteria provided, single submitter. Criteria: Ambry Variant Classification Scheme 2023. Collection method: clinical testing. Allele origin: germline.
Comment: The p.N4D variant (also known as c.10A>G), located in coding exon 1 of the MAX gene, results from an A to G substitution at nucleotide position 10. The asparagine at codon 4 is replaced by aspartic acid, an amino acid with highly similar properties. This amino acid position is highly conserved in available vertebrate species. In addition, the in silico prediction for this alteration is inconclusive. Based on the available evidence, the clinical significance of this variant remains unclear.